The following is an entry in ClinVar:

NM_002641.4(PIGA):c.757A>G (p.Lys253Glu)

Gene: PIGA (phosphatidylinositol glycan anchor biosynthesis class A; minus strand). Cytogenetic location: Xp22.2.
Variant type: single nucleotide variant.
Coding change: c.757A>G on transcript NM_002641.4 (MANE Select); coding-DNA position 757, A replaced by G.
Protein change: p.Lys253Glu; replaces lysine 253 with glutamic acid.
Molecular consequence: missense variant. On other transcripts: non-coding transcript variant (2).
Genome position (GRCh38, 1-based): chrX:15,326,005, T>C on the plus strand (A>G on the coding strand, the complement: PIGA is on the minus strand). VCF-style: chrX-15326005-T-C. GRCh37 (hg19) VCF-style: chrX-15344127-T-C.
Other names: c.55A>G, p.Lys19Glu (NM_020473.3); short protein forms K19E, K253E.
Identifiers: ClinVar variation 2660050 (VCV002660050.24), dbSNP rs2519326260, ClinGen allele CA412337616.
Genomic context (GRCh38, chrX:15,326,005, plus strand): 5'-CTTCCAAAATGATTCTCTTTGGTCCCTCTCCTCCAATTATGAAATTTAAATCTGGATATT[T>C]CTGACAGAGTTCAGGTATTATACCACTAAGCAAATCGATCCCTGAAAATATAAAGTTGAA-3'
Protein context (NP_002632.1, residues 243-263): LSGIIPELCQ[Lys253Glu]YPDLNFIIGG

ClinVar aggregate classification (germline): Uncertain significance (1 of 4 stars; one submission).

Submission:

CeGaT Center for Human Genetics Tuebingen
Classification: Uncertain significance. Last evaluated: 2023-10-01. Review status: criteria provided, single submitter. Criteria: CeGaT Center For Human Genetics Tuebingen Variant Classification Criteria Version 2. Collection method: clinical testing. Allele origin: germline. Affected: yes. Observed: 1 variant allele.
Comment: PIGA: PM2